The following is an entry in ClinVar:

ClinVar aggregate classification (germline): Likely benign. Review status: criteria provided, multiple submitters, no conflicts (2 of 4 stars). 5 submissions from 5 submitters: Likely benign (4). 1 of the submissions does not count toward it. Last evaluated 2025-12-26.

Conditions:
GRM6-related disorder. Also called: GRM6-related condition.
Inborn genetic diseases. Identifiers: MedGen C0950123, MeSH D030342.

Allele frequency attached by ClinVar (database versions not stated): gnomAD exomes 0.00004; 1000 Genomes Project 30x 0.00016; gnomAD 0.00047 and 0.00051; TOPMed 0.00063.
gnomAD v4.1: 165 of 1,384,380 alleles (0.012%); highest among the groups gnomAD compares: African/African-American, 0.18%; 3 homozygotes.

Submissions (5):

Labcorp Genetics (formerly Invitae), Labcorp
Classification: Likely benign. Last evaluated: 2025-12-26. Review status: criteria provided, single submitter. Criteria: Invitae Variant Classification Sherloc (09022015). Collection method: clinical testing. Allele origin: germline.

Blueprint Genetics
Classification: Likely benign. Last evaluated: 2024-11-04. Review status: criteria provided, single submitter. Criteria: ACMG Guidelines, 2015. Collection method: clinical testing. Allele origin: germline.

Ambry Genetics
Classification: Likely benign for Inborn genetic diseases. Last evaluated: 2021-07-21. Review status: criteria provided, single submitter. Criteria: Ambry Variant Classification Scheme 2023. Collection method: clinical testing. Allele origin: germline.

Breakthrough Genomics
Classification: Likely benign. Review status: criteria provided, single submitter. Criteria: ACMG Guidelines, 2015. Collection method: not provided. Allele origin: germline. Inheritance: Autosomal recessive inheritance. Affected: yes.

PreventionGenetics, part of Exact Sciences
Classification: Likely benign for GRM6-related condition. Last evaluated: 2024-02-12. Review status: no assertion criteria provided. Collection method: clinical testing. Allele origin: germline. Not counted in ClinVar's aggregate classification.
Comment: This variant is classified as likely benign based on ACMG/AMP sequence variant interpretation guidelines (Richards et al. 2015 PMID: 25741868, with internal and published modifications).

NM_000843.4(GRM6):c.415C>A (p.Pro139Thr)

Gene: GRM6 (glutamate metabotropic receptor 6; minus strand). Cytogenetic location: 5q35.3.
Variant type: single nucleotide variant.
Coding change: c.415C>A on transcript NM_000843.4 (MANE Select); coding-DNA position 415, C replaced by A.
Protein change: p.Pro139Thr; replaces proline 139 with threonine.
Molecular consequence: missense variant.
Genome position (GRCh38, 1-based): chr5:178,994,530, G>T on the plus strand (C>A on the coding strand, the complement: GRM6 is on the minus strand). VCF-style: chr5-178994530-G-T. GRCh37 (hg19) VCF-style: chr5-178421531-G-T.
Other names: short protein forms P139T.
Identifiers: ClinVar variation 849212 (VCV000849212.15), dbSNP rs971140136, ClinGen allele CA133032052.